The following is an entry in ClinVar:

NM_000202.8(IDS):c.1348del (p.Asp450fs)

Gene: IDS (iduronate 2-sulfatase; minus strand). Cytogenetic location: Xq28.
Variant type: Deletion.
Coding change: c.1348del on transcript NM_000202.8 (MANE Select); coding-DNA position 1348, one base deleted (G; older notation c.1348delG).
Protein change: p.Asp450fs; shifts the reading frame from aspartic acid 450.
Molecular consequence: frameshift variant.
Genome position (GRCh38, 1-based): chrX:149,483,051, C deleted on the plus strand (G on the coding strand, the reverse complement: IDS is on the minus strand); the first of 2 consecutive C bases (chrX:149,483,051-149,483,052); deleting either gives the same sequence. VCF-style (leftmost placement, unchanged base first): chrX-149483050-TC-T. GRCh37 (hg19) VCF-style: chrX-148564581-TC-T.
Other names: c.1078del, p.Asp360fs (NM_001166550.4); short protein forms D360fs, D450fs.
Identifiers: ClinVar variation 3256031 (VCV003256031.2).

ClinVar aggregate classification (germline): Pathogenic (1 of 4 stars; one submission).

Conditions:
Mucopolysaccharidosis, MPS-II (MPS2). Also called: Hunter Syndrome; IDURONATE 2-SULFATASE DEFICIENCY; Mucopolysaccharidosis Type II; Mucopolysaccharidosis type 2; Attenuated MPS (subtype; formerly known as mild MPS II); Severe MPS II. Identifiers: Orphanet 580, Orphanet 79388, MedGen C0026705, MONDO:0010674, OMIM 309900.

Submission:

Laboratory of Diagnosis and Therapy of Lysosomal Disorders, University of Padova
Classification: Pathogenic for Mucopolysaccharidosis, MPS-II. Last evaluated: 2024-06-07. Review status: criteria provided, single submitter. Criteria: ACMG Guidelines, 2015. Collection method: literature only. Allele origin: germline. Affected: yes. Observed: 1 variant allele.
Comment: Null variant (PVS1_Strong), Absent from controls (or at low frequency) in gnomAD database (PM2_Moderate), Patient’s phenotype or family history highly specific for the disease (PP4_Strong)

Classification method: ACMG Guidelines [PMID:25741868] with modifications

Literature cited by the submitters: PubMed 32448126.